The following is an entry in ClinVar:

NM_001384317.1(ZHX3):c.98T>C (p.Leu33Ser)

Gene: ZHX3 (zinc fingers and homeoboxes 3; minus strand). Cytogenetic location: 20q12.
Variant type: single nucleotide variant.
Coding change: c.98T>C on transcript NM_001384317.1 (MANE Select); coding-DNA position 98, T replaced by C.
Protein change: p.Leu33Ser; replaces leucine 33 with serine.
Molecular consequence: missense variant.
Genome position (GRCh38, 1-based): chr20:41,204,819, A>G on the plus strand (T>C on the coding strand, the complement: ZHX3 is on the minus strand). VCF-style: chr20-41204819-A-G. GRCh37 (hg19) VCF-style: chr20-39833459-A-G.
Other names: c.98T>C, p.Leu33Ser (NM_001384315.1, NM_001384316.1, NM_001384318.1 and 8 more transcripts); short protein forms L33S.
Identifiers: ClinVar variation 3473806 (VCV003473806.2).

ClinVar aggregate classification (germline): Uncertain significance. Review status: criteria provided, multiple submitters, no conflicts (2 of 4 stars). 2 submissions from 2 submitters: Uncertain significance (2). Last evaluated 2025-10-13.

gnomAD v4.1: 6 of 1,611,574 alleles (0.00037%); highest among the groups gnomAD compares: Admixed American, 0.01%; no homozygotes.

Submissions (2):

Labcorp Genetics (formerly Invitae), Labcorp
Classification: Uncertain significance. Last evaluated: 2025-10-13. Review status: criteria provided, single submitter. Criteria: Invitae Variant Classification Sherloc (09022015). Collection method: clinical testing. Allele origin: germline.
Comment: This sequence change replaces leucine, which is neutral and non-polar, with serine, which is neutral and polar, at codon 33 of the ZHX3 protein (p.Leu33Ser). This variant is present in population databases (rs778950424, gnomAD 0.01%). This variant has not been reported in the literature in individuals affected with ZHX3-related conditions. ClinVar contains an entry for this variant (Variation ID: 3473806). An algorithm developed to predict the effect of missense changes on protein structure and function (PolyPhen-2) suggests that this variant is likely to be tolerated. In summary, the available evidence is currently insufficient to determine the role of this variant in disease. Therefore, it has been classified as a Variant of Uncertain Significance.

Ambry Genetics
Classification: Uncertain significance. Last evaluated: 2024-06-30. Review status: criteria provided, single submitter. Criteria: Ambry Variant Classification Scheme 2023. Collection method: clinical testing. Allele origin: germline.